The following is an entry in ClinVar:

ClinVar aggregate classification (germline): Uncertain significance (1 of 4 stars; one submission).

Conditions:
Brugada syndrome 5 (BRGDA5). Identifiers: Orphanet 130, Orphanet 871, MedGen C2748541, MONDO:0013015, OMIM 612838.

Submission:

Labcorp Genetics (formerly Invitae), Labcorp
Classification: Uncertain significance for Brugada syndrome 5. Last evaluated: 2021-11-22. Review status: criteria provided, single submitter. Criteria: Invitae Variant Classification Sherloc (09022015). Collection method: clinical testing. Allele origin: germline.
Comment: In summary, the available evidence is currently insufficient to determine the role of this variant in disease. Therefore, it has been classified as a Variant of Uncertain Significance. Experimental studies and prediction algorithms are not available or were not evaluated, and the functional significance of this variant is currently unknown. This variant has not been reported in the literature in individuals affected with SCN1B-related conditions. This variant is not present in population databases (gnomAD no frequency). This sequence change creates a premature translational stop signal (p.Gln189*) in the SCN1B gene. While this is not anticipated to result in nonsense mediated decay, it is expected to disrupt the last 80 amino acid(s) of the SCN1B protein.

NM_001037.5(SCN1B):c.448+117C>T

Gene: SCN1B (sodium voltage-gated channel beta subunit 1; plus strand). Cytogenetic location: 19q13.11.
Variant type: single nucleotide variant.
Coding change: c.448+117C>T on transcript NM_001037.5 (MANE Select); 117 bases into the intron after coding-DNA position 448, C replaced by T.
Molecular consequence: intron variant. On other transcripts: nonsense (1).
Genome position (GRCh38, 1-based): chr19:35,033,856, C>T. VCF-style: chr19-35033856-C-T. GRCh37 (hg19) VCF-style: chr19-35524760-C-T.
Other names: c.565C>T, p.Gln189Ter (NM_199037.5); c.349+117C>T (NM_001321605.2); short protein forms Q189*.
Identifiers: ClinVar variation 1412551 (VCV001412551.6), dbSNP rs2151746583, ClinGen allele CA405329317.